The following is an entry in ClinVar:

NM_001099922.3(ALG13):c.3322_3323delinsGG (p.Ser1108Gly)

Gene: ALG13 (ALG13 UDP-N-acetylglucosaminyltransferase subunit; plus strand). Cytogenetic location: Xq23.
Variant type: Indel.
Coding change: c.3322_3323delinsGG on transcript NM_001099922.3 (MANE Select); coding-DNA positions 3322 to 3323, TC replaced by GG.
Protein change: p.Ser1108Gly; replaces serine 1108 with glycine.
Molecular consequence: missense variant. On other transcripts: non-coding transcript variant (1).
Genome position (GRCh38, 1-based): chrX:111,759,907-111,759,908, TC replaced by GG. VCF-style: chrX-111759907-TC-GG. GRCh37 (hg19) VCF-style: chrX-111003135-TC-GG.
Other names: c.2773_2774delinsGG, p.Ser925Gly (NM_001257230.2, NM_001257234.2, NM_001257237.2); c.3088_3089delinsGG, p.Ser1030Gly (NM_001257231.2); c.3085_3086delinsGG, p.Ser1029Gly (NM_001324292.2); c.2599_2600delinsGG, p.Ser867Gly (NM_001324293.1); short protein forms S1029G, S1030G, S1108G, S867G, S925G.
Identifiers: ClinVar variation 1302675 (VCV001302675.2), dbSNP rs2148531992, ClinGen allele CA2573055072.

ClinVar aggregate classification (germline): Uncertain significance (1 of 4 stars; one submission).

Submission:

GeneDx
Classification: Uncertain significance. Last evaluated: 2019-04-29. Review status: criteria provided, single submitter. Criteria: GeneDx Variant Classification Process June 2021. Collection method: clinical testing. Allele origin: germline. Affected: yes.
Comment: Not observed in large population cohorts (Lek et al., 2016); In silico analysis, which includes protein predictors and evolutionary conservation, supports that this variant does not alter protein structure/function; Has not been previously published as pathogenic or benign to our knowledge